The following is an entry in ClinVar:

NM_000836.4(GRIN2D):c.2323C>T (p.Leu775Phe)

Gene: GRIN2D (glutamate ionotropic receptor NMDA type subunit 2D; plus strand). Cytogenetic location: 19q13.33.
Variant type: single nucleotide variant.
Coding change: c.2323C>T on transcript NM_000836.4 (MANE Select); coding-DNA position 2323, C replaced by T.
Protein change: p.Leu775Phe; replaces leucine 775 with phenylalanine.
Molecular consequence: missense variant.
Genome position (GRCh38, 1-based): chr19:48,441,839, C>T. VCF-style: chr19-48441839-C-T. GRCh37 (hg19) VCF-style: chr19-48945096-C-T.
Other names: c.2323C>T (NM_000836.2); short protein forms L775F.
Identifiers: ClinVar variation 2907840 (VCV002907840.5), dbSNP rs763528141, ClinGen allele CA9550714.

ClinVar aggregate classification (germline): Uncertain significance. Review status: criteria provided, multiple submitters, no conflicts (2 of 4 stars). 3 submissions from 3 submitters: Uncertain significance (3). Last evaluated 2026-06-01.

Conditions:
Inborn genetic diseases. Identifiers: MedGen C0950123, MeSH D030342.

Allele frequency attached by ClinVar (database versions not stated): gnomAD exomes below 0.00001; ExAC 0.00002.
gnomAD v4.1: 6 of 1,614,012 alleles (0.00037%); highest among the groups gnomAD compares: Non-Finnish European, 0.00042%; no homozygotes.

Submissions (3):

Women's Health and Genetics/Laboratory Corporation of America, LabCorp
Classification: Uncertain significance. Last evaluated: 2026-06-01. Review status: criteria provided, single submitter. Criteria: LabCorp Variant Classification Summary - May 2015. Collection method: clinical testing. Allele origin: germline.
Comment: Variant summary: GRIN2D c.2323C>T (p.Leu775Phe) results in a non-conservative amino acid change in the encoded protein sequence. Algorithms developed to predict the effect of missense changes on protein structure and function are either unavailable or do not agree on the potential impact of this missense change. The variant allele was found at a frequency of 8e-06 in 251064 control chromosomes. The available data on variant occurrences in the general population are insufficient to allow any conclusion about variant significance. To our knowledge, no occurrence of c.2323C>T in individuals affected with GRIN2D-related conditions and no experimental evidence demonstrating its impact on protein function have been reported. ClinVar contains an entry for this variant (Variation ID: 2907840). Based on the evidence outlined above, the variant was classified as uncertain significance.

Ambry Genetics
Classification: Uncertain significance for Inborn genetic diseases. Last evaluated: 2025-01-20. Review status: criteria provided, single submitter. Criteria: Ambry Variant Classification Scheme 2023. Collection method: clinical testing. Allele origin: germline.

Labcorp Genetics (formerly Invitae), Labcorp
Classification: Uncertain significance. Last evaluated: 2024-04-26. Review status: criteria provided, single submitter. Criteria: Invitae Variant Classification Sherloc (09022015). Collection method: clinical testing. Allele origin: germline.
Comment: This sequence change replaces leucine, which is neutral and non-polar, with phenylalanine, which is neutral and non-polar, at codon 775 of the GRIN2D protein (p.Leu775Phe). This variant is present in population databases (rs763528141, gnomAD 0.0009%). This variant has not been reported in the literature in individuals affected with GRIN2D-related conditions. Advanced modeling of protein sequence and biophysical properties (such as structural, functional, and spatial information, amino acid conservation, physicochemical variation, residue mobility, and thermodynamic stability) performed at Invitae indicates that this missense variant is not expected to disrupt GRIN2D protein function with a negative predictive value of 80%. In summary, the available evidence is currently insufficient to determine the role of this variant in disease. Therefore, it has been classified as a Variant of Uncertain Significance.